The following is an entry in ClinVar:

ClinVar aggregate classification (germline): Uncertain significance (1 of 4 stars; one submission).

Submission:

Labcorp Genetics (formerly Invitae), Labcorp
Classification: Uncertain significance. Last evaluated: 2025-11-23. Review status: criteria provided, single submitter. Criteria: Invitae Variant Classification Sherloc (09022015). Collection method: clinical testing. Allele origin: germline.
Comment: This sequence change replaces valine, which is neutral and non-polar, with phenylalanine, which is neutral and non-polar, at codon 341 of the CLCN7 protein (p.Val341Phe). This variant is not present in population databases (gnomAD no frequency). This variant has not been reported in the literature in individuals affected with CLCN7-related conditions. Invitae Evidence Modeling of protein sequence and biophysical properties (such as structural, functional, and spatial information, amino acid conservation, physicochemical variation, residue mobility, and thermodynamic stability) indicates that this missense variant is not expected to disrupt CLCN7 protein function with a negative predictive value of 95%. In summary, the available evidence is currently insufficient to determine the role of this variant in disease. Therefore, it has been classified as a Variant of Uncertain Significance.

NM_001287.6(CLCN7):c.1021G>T (p.Val341Phe)

Gene: CLCN7 (Cl-/H+ antiporter 7; minus strand). Cytogenetic location: 16p13.3.
Variant type: single nucleotide variant.
Coding change: c.1021G>T on transcript NM_001287.6 (MANE Select); coding-DNA position 1021, G replaced by T.
Protein change: p.Val341Phe; replaces valine 341 with phenylalanine.
Molecular consequence: missense variant.
Genome position (GRCh38, 1-based): chr16:1,455,211, C>A on the plus strand (G>T on the coding strand, the complement: CLCN7 is on the minus strand). VCF-style: chr16-1455211-C-A. GRCh37 (hg19) VCF-style: chr16-1505212-C-A.
Other names: c.949G>T, p.Val317Phe (NM_001114331.3); short protein forms V341F, V317F.
Identifiers: ClinVar variation 4769265 (VCV004769265.1).